The following is an entry in ClinVar:

ClinVar aggregate classification (germline): Uncertain significance (1 of 4 stars; one submission).

Conditions:
Immunodeficiency 35 (IMD35). Also called: Susceptibility to infection due to TYK2 deficiency; HIES WITH ATYPICAL MYCOBACTERIOSIS, AUTOSOMAL RECESSIVE; HYPER-IgE SYNDROME WITH ATYPICAL MYCOBACTERIOSIS, AUTOSOMAL RECESSIVE; TYK2 DEFICIENCY. Identifiers: Orphanet 331226, MedGen C1969086, MONDO:0012682, OMIM 611521.

Allele frequency attached by ClinVar (database versions not stated): gnomAD 0.00007; TOPMed 0.00008; ExAC 0.00012; 1000 Genomes Project 30x 0.00031; 1000 Genomes Project 0.00040.
gnomAD v4.1: 94 of 1,614,120 alleles (0.0058%); highest among the groups gnomAD compares: East Asian, 0.19%; no homozygotes.

Submission:

Labcorp Genetics (formerly Invitae), Labcorp
Classification: Uncertain significance for Immunodeficiency 35. Last evaluated: 2022-07-19. Review status: criteria provided, single submitter. Criteria: Invitae Variant Classification Sherloc (09022015). Collection method: clinical testing. Allele origin: germline.
Comment: This sequence change replaces arginine, which is basic and polar, with cysteine, which is neutral and slightly polar, at codon 549 of the TYK2 protein (p.Arg549Cys). This variant is present in population databases (rs78089853, gnomAD 0.1%). This variant has not been reported in the literature in individuals affected with TYK2-related conditions. Algorithms developed to predict the effect of missense changes on protein structure and function are either unavailable or do not agree on the potential impact of this missense change (SIFT: "Not Available"; PolyPhen-2: "Possibly Damaging"; Align-GVGD: "Not Available"). In summary, the available evidence is currently insufficient to determine the role of this variant in disease. Therefore, it has been classified as a Variant of Uncertain Significance.

NM_003331.5(TYK2):c.1645C>T (p.Arg549Cys)

Gene: TYK2 (tyrosine kinase 2; minus strand). Cytogenetic location: 19p13.2.
Variant type: single nucleotide variant.
Coding change: c.1645C>T on transcript NM_003331.5 (MANE Select); coding-DNA position 1645, C replaced by T.
Protein change: p.Arg549Cys; replaces arginine 549 with cysteine.
Molecular consequence: missense variant.
Genome position (GRCh38, 1-based): chr19:10,362,288, G>A on the plus strand (C>T on the coding strand, the complement: TYK2 is on the minus strand). VCF-style: chr19-10362288-G-A. GRCh37 (hg19) VCF-style: chr19-10472964-G-A.
Other names: c.1645C>T, p.Arg549Cys (NM_001385197.1, NM_001385198.1, NM_001385199.1 and 6 more transcripts); c.1447C>T, p.Arg483Cys (NM_001385201.1); c.1555C>T, p.Arg519Cys (NM_001385205.1); c.1519C>T, p.Arg507Cys (NM_001385206.1); short protein forms R483C, R507C, R549C, R519C.
Identifiers: ClinVar variation 2149837 (VCV002149837.1), dbSNP rs78089853, ClinGen allele CA9193360.
Genomic context (GRCh38, chr19:10,362,288, plus strand): 5'-GCCACATCCCACCCAGAGGTCCCCCTATCATCGTACCTCCTGGTTGGGGCAGGCAACAGC[G>A]ACGCAGAGAGAAGCAGTCATCCCCGGCCCTCAGCAAGCAGCCCTGCAAGGCAGCCCCAAG-3'
Protein context (NP_003322.3, residues 539-559): RAGDDCFSLR[Arg549Cys]CCLPQPGETS